The following is an entry in ClinVar:

ClinVar aggregate classification (germline): Uncertain significance (1 of 4 stars; one submission).

Allele frequency attached by ClinVar (database versions not stated): TOPMed below 0.00001; gnomAD 0.00001; gnomAD exomes 0.00002.

Submission:

Labcorp Genetics (formerly Invitae), Labcorp
Classification: Uncertain significance. Last evaluated: 2022-09-13. Review status: criteria provided, single submitter. Criteria: Invitae Variant Classification Sherloc (09022015). Collection method: clinical testing. Allele origin: germline.
Comment: In summary, the available evidence is currently insufficient to determine the role of this variant in disease. Therefore, it has been classified as a Variant of Uncertain Significance. Algorithms developed to predict the effect of missense changes on protein structure and function (SIFT, PolyPhen-2, Align-GVGD) all suggest that this variant is likely to be disruptive. This variant has not been reported in the literature in individuals affected with TNK2-related conditions. This variant is present in population databases (rs776183972, gnomAD 0.003%). This sequence change replaces arginine, which is basic and polar, with cysteine, which is neutral and slightly polar, at codon 281 of the TNK2 protein (p.Arg281Cys).

NM_001382273.1(TNK2):c.652C>T (p.Arg218Cys)

Gene: TNK2 (tyrosine kinase non receptor 2; minus strand). Cytogenetic location: 3q29.
Variant type: single nucleotide variant.
Coding change: c.652C>T on transcript NM_001382273.1 (MANE Select); coding-DNA position 652, C replaced by T.
Protein change: p.Arg218Cys; replaces arginine 218 with cysteine.
Molecular consequence: missense variant. On other transcripts: non-coding transcript variant (12).
Genome position (GRCh38, 1-based): chr3:195,882,286, G>A on the plus strand (C>T on the coding strand, the complement: TNK2 is on the minus strand). VCF-style: chr3-195882286-G-A. GRCh37 (hg19) VCF-style: chr3-195609157-G-A.
Other names: c.724C>T, p.Arg242Cys (NM_001010938.2, NM_001382272.1, NM_001387708.1 and 1 more transcripts); c.748C>T, p.Arg250Cys (NM_001308046.2, NM_001382271.1, NM_001382275.1 and 1 more transcripts); c.652C>T, p.Arg218Cys (NM_001382274.1, NM_001386164.1, NM_001387709.1 and 12 more transcripts); short protein forms R250C, R218C, R242C.
Identifiers: ClinVar variation 2198855 (VCV002198855.4), dbSNP rs776183972, ClinGen allele CA2776740.